The following is an entry in ClinVar:

ClinVar aggregate classification (germline): Uncertain significance (0 of 4 stars; one submission).

Conditions:
Short QT syndrome 7 (SQT7). Identifiers: MedGen C5774304, MONDO:0859368, OMIM 620231.

gnomAD v4.1: 9 of 1,561,134 alleles (0.00058%); highest among the groups gnomAD compares: African/African-American, 0.0054%; no homozygotes.

Submission:

Dept. of Hyperbaric Medicine, No.971 Hospital of the People's Liberation Army Navy
Classification: Uncertain significance for Short QT syndrome 7. Last evaluated: 2026-07-22. Review status: no assertion criteria provided. Collection method: clinical testing. Allele origin: germline. Affected: yes.
Comment: It was classified as a Variant of Uncertain Significance (VUS) based on the following evidence: (1) absent from control populations in gnomAD v4.1.1; (2) conflicting in silico predictions (REVEL 0.13, CADD 30); (3) located in SLC4A3, a gene with compelling evidence for association with short QT syndrome type 7 (HuGE score 350.00, CVDKP); and (4) functional validation of the gene's role in cardiac repolarization has been reported. No functional studies were performed for this specific variant.

NM_005070.4(SLC4A3):c.1496G>A (p.Arg499Gln)

Gene: SLC4A3 (solute carrier family 4 member 3; plus strand). Cytogenetic location: 2q35.
Variant type: single nucleotide variant.
Coding change: c.1496G>A on transcript NM_005070.4 (MANE Select); coding-DNA position 1496, G replaced by A.
Protein change: p.Arg499Gln; replaces arginine 499 with glutamine.
Molecular consequence: missense variant. On other transcripts: non-coding transcript variant (1).
Genome position (GRCh38, 1-based): chr2:219,633,914, G>A. VCF-style: chr2-219633914-G-A. GRCh37 (hg19) VCF-style: chr2-220498636-G-A.
Other names: c.1577G>A, p.Arg526Gln (NM_001326559.2, NM_201574.3); c.1496G>A, p.Arg499Gln (NM_001438863.1); c.902G>A, p.Arg301Gln (NM_001438864.1); short protein forms R301Q, R499Q, R526Q.
Identifiers: ClinVar variation 4884465 (VCV004884465.1).
Genomic context (GRCh38, chr2:219,633,914, plus strand): 5'-GCCCTATTCCAGTTCTGCGTCCTCAGAAGCCCCTCCACATGCCTGGGGGAGATGGTCACC[G>A]GGGGAAAAGCCTGAAGCTGCTGGAGAAGATCCCTGAAGATGCTGAGGCCACGGTTGTGCT-3'
Protein context (NP_005061.3, residues 489-509): PLHMPGGDGH[Arg499Gln]GKSLKLLEKI